The following is an entry in ClinVar:

ClinVar aggregate classification (germline): Conflicting classifications of pathogenicity. Review status: criteria provided, conflicting classifications (1 of 4 stars). 2 submissions from 2 submitters: Pathogenic (1); Uncertain significance (1). Last evaluated 2023-03-29.

Conditions:
Hereditary breast ovarian cancer syndrome. Also called: Breast and ovarian cancer; BRCA1- and BRCA2-Associated Hereditary Breast and Ovarian Cancer; Hereditary breast and ovarian cancer; Hereditary breast and ovarian cancer syndrome; Hereditary breast and ovarian cancer syndrome (HBOC); Hereditary breast and/or ovarian cancer syndrome. Identifiers: Orphanet 145, MedGen C0677776, MeSH D061325, MONDO:0003582. Disease mechanism: loss of function.
Hereditary cancer-predisposing syndrome. Also called: Tumor predisposition; Hereditary neoplastic syndrome; Neoplastic Syndromes, Hereditary; Hereditary Cancer Syndrome. Identifiers: Orphanet 140162, MedGen C0027672, MeSH D009386, MONDO:0015356.

Allele frequency attached by ClinVar (database versions not stated): gnomAD exomes below 0.00001.

Submissions (2):

Ambry Genetics
Classification: Uncertain significance for Hereditary cancer-predisposing syndrome. Last evaluated: 2023-03-29. Review status: criteria provided, single submitter. Criteria: Ambry Variant Classification Scheme 2023. Collection method: clinical testing. Allele origin: germline.
Comment: The c.677dupA variant, located in coding exon 3 of the XRCC2 gene, results from a duplication of A at nucleotide position 677, causing a translational frameshift with a predicted alternate stop codon (p.Y226*). This alteration occurs at the 3' terminus of theXRCC2 gene, is not expected to trigger nonsense-mediated mRNAdecay, and only impacts the last 55 amino acids of the protein. The exact functional effect of this alteration is unknown. This variant was identified in a hereditary breast and ovarian cancer cohort (Golmard L et al. Eur J Hum Genet, 2017 Dec;25:1345-1353). This variant is considered to be rare based on population cohorts in the Genome Aggregation Database (gnomAD). Since supporting evidence is limited at this time, the clinical significance of this alteration remains unclear.

Genomics Laboratory, Virgen de la Arrixaca University Clinical Hospital
Classification: Pathogenic for Hereditary breast ovarian cancer syndrome. Last evaluated: 2019-05-27. Review status: criteria provided, single submitter. Criteria: ACMG Guidelines, 2015. Collection method: clinical testing. Allele origin: germline. Affected: yes. Observed: 1 variant allele.

Literature cited by the submitters: PubMed 29255180 (cited by Ambry Genetics).

NM_005431.2(XRCC2):c.677dup (p.Tyr226Ter)

Gene: XRCC2 (X-ray repair cross complementing 2; minus strand). Cytogenetic location: 7q36.1.
Variant type: Duplication.
Coding change: c.677dup on transcript NM_005431.2 (MANE Select); coding-DNA position 677, one base duplicated (A; older notation c.677dupA).
Protein change: p.Tyr226Ter; replaces tyrosine 226 with a stop codon.
Molecular consequence: nonsense.
Genome position (GRCh38, 1-based): chr7:152,648,808, T duplicated on the plus strand (A on the coding strand, the reverse complement: XRCC2 is on the minus strand). VCF-style (leftmost placement, unchanged base first): chr7-152648807-A-AT. GRCh37 (hg19) VCF-style: chr7-152345892-A-AT.
Other names: c.677dupA (NM_005431.1, NM_005431.2); short protein forms Y226*.
Identifiers: ClinVar variation 636233 (VCV000636233.4), dbSNP rs1590129294, ClinGen allele CA915945587.